The following is an entry in ClinVar:

ClinVar aggregate classification (germline): Uncertain significance (1 of 4 stars; one submission).

Submission:

GeneDx
Classification: Uncertain significance. Last evaluated: 2022-05-06. Review status: criteria provided, single submitter. Criteria: GeneDx Variant Classification Process June 2021. Collection method: clinical testing. Allele origin: germline. Affected: yes.
Comment: Not observed at significant frequency in large population cohorts (gnomAD); In silico analysis supports that this variant does not alter splicing; Has not been previously published as pathogenic or benign to our knowledge

NM_000282.4(PCCA):c.232-9T>C

Gene: PCCA (propionyl-CoA carboxylase subunit alpha; plus strand). Cytogenetic location: 13q32.3.
Variant type: single nucleotide variant.
Coding change: c.232-9T>C on transcript NM_000282.4 (MANE Select); 9 bases into the intron before coding-DNA position 232, T replaced by C.
Molecular consequence: intron variant.
Genome position (GRCh38, 1-based): chr13:100,111,984, T>C. VCF-style: chr13-100111984-T-C. GRCh37 (hg19) VCF-style: chr13-100764238-T-C.
Other names: c.232-9T>C (NM_001178004.2, NM_001352605.2, NM_001352606.2 and 1 more transcripts); c.-635-9T>C (NM_001352610.2, NM_001352611.2, NM_001352612.2); c.154-9T>C (NM_001127692.3, NM_001352607.2, NM_001352608.2).
Identifiers: ClinVar variation 1723037 (VCV001723037.2), dbSNP rs2542287604, ClinGen allele CA2580086931.